The following is an entry in ClinVar:

NM_001378615.1(CC2D2A):c.3493G>T (p.Glu1165Ter)

Genes: CC2D2A (coiled-coil and C2 domain containing 2A; plus strand), FBXL5 (F-box and leucine rich repeat protein 5; minus strand). Cytogenetic location: 4p15.32.
Variant type: single nucleotide variant.
Coding change: c.3493G>T on transcript NM_001378615.1 (MANE Select); coding-DNA position 3493, G replaced by T.
Protein change: p.Glu1165Ter; replaces glutamic acid 1165 with a stop codon.
Molecular consequence: nonsense.
Genome position (GRCh38, 1-based): chr4:15,569,387, G>T. VCF-style: chr4-15569387-G-T. GRCh37 (hg19) VCF-style: chr4-15571010-G-T.
Other names: c.3493G>T, p.Glu1165Ter (NM_001080522.2); c.3346G>T, p.Glu1116Ter (NM_001378617.1); short protein forms E1116*, E1165*.
Identifiers: ClinVar variation 5013541 (VCV005013541.1).

ClinVar aggregate classification (germline): Pathogenic (1 of 4 stars; one submission).

Conditions:
Joubert syndrome and related disorders. Identifiers: Orphanet 140874, MedGen C5679612, MONDO:0015369.

Submission:

Myriad Genetics, Inc.
Classification: Pathogenic for Joubert syndrome and related disorders. Last evaluated: 2024-09-10. Review status: criteria provided, single submitter. Criteria: Myriad Autosomal Dominant, Autosomal Recessive and X-Linked Classification Criteria (2023). Collection method: clinical testing. Allele origin: unknown.
Comment: NM_001080522.2(CC2D2A):c.3493G>T(E1165*) is expected to be pathogenic in the context of CC2D2A-related disorders. This variant is predicted to lead to an abnormal or absent protein product due to the creation of a premature termination codon in CC2D2A, a gene where loss-of-function variants are known to be pathogenic. Please note: this variant was assessed in the context of healthy population screening.